The following is an entry in ClinVar:

NM_080732.4(EGLN2):c.331G>T (p.Gly111Cys)

Genes: EGLN2 (egl-9 family hypoxia inducible factor 2; plus strand), RAB4B-EGLN2 (RAB4B-EGLN2 readthrough (NMD candidate); plus strand). Cytogenetic location: 19q13.2.
Variant type: single nucleotide variant.
Coding change: c.331G>T on transcript NM_080732.4 (MANE Select); coding-DNA position 331, G replaced by T.
Protein change: p.Gly111Cys; replaces glycine 111 with cysteine.
Molecular consequence: missense variant. On other transcripts: non-coding transcript variant (1).
Genome position (GRCh38, 1-based): chr19:40,800,903, G>T. VCF-style: chr19-40800903-G-T. GRCh37 (hg19) VCF-style: chr19-41306808-G-T.
Other names: c.331G>T, p.Gly111Cys (NM_053046.4); short protein forms G111C.
Identifiers: ClinVar variation 3507282 (VCV003507282.1).

ClinVar aggregate classification (germline): Uncertain significance (1 of 4 stars; one submission).

Submission:

Ambry Genetics
Classification: Uncertain significance. Last evaluated: 2024-09-09. Review status: criteria provided, single submitter. Criteria: Ambry Variant Classification Scheme 2023. Collection method: clinical testing. Allele origin: germline.
Comment: The p.G111C variant (also known as c.331G>T), located in coding exon 1 of the EGLN2 gene, results from a G to T substitution at nucleotide position 331. The glycine at codon 111 is replaced by cysteine, an amino acid with highly dissimilar properties. This amino acid position is conserved. In addition, this alteration is predicted to be tolerated by in silico analysis. Based on the available evidence, the clinical significance of this variant remains unclear.